The following is an entry in ClinVar:

ClinVar aggregate classification (germline): Likely benign. Review status: criteria provided, multiple submitters, no conflicts (2 of 4 stars). 2 submissions from 2 submitters: Likely benign (2). Last evaluated 2024-11-01.

Conditions:
Neuronal ceroid lipofuscinosis. Also called: Neuronal Ceroid Lipofuscinoses. Identifiers: Orphanet 216, Orphanet 79263, MedGen C0027877, MONDO:0016295. Disease mechanism: loss of function.

Allele frequency attached by ClinVar (database versions not stated): TOPMed below 0.00001; gnomAD 0.00001; gnomAD exomes 0.00001.
gnomAD v4.1: 18 of 1,611,672 alleles (0.0011%); highest among the groups gnomAD compares: Non-Finnish European, 0.0014%; no homozygotes.

Submissions (2):

CeGaT Center for Human Genetics Tuebingen
Classification: Likely benign. Last evaluated: 2024-11-01. Review status: criteria provided, single submitter. Criteria: CeGaT Center For Human Genetics Tuebingen Variant Classification Criteria Version 2. Collection method: clinical testing. Allele origin: germline. Affected: yes. Observed: 1 variant allele.
Comment: CLN5: BP4, BP7

Labcorp Genetics (formerly Invitae), Labcorp
Classification: Likely benign for Neuronal ceroid lipofuscinosis. Last evaluated: 2024-03-13. Review status: criteria provided, single submitter. Criteria: Invitae Variant Classification Sherloc (09022015). Collection method: clinical testing. Allele origin: germline.

NM_006493.4(CLN5):c.18C>T (p.Asp6=)

Gene: CLN5 (CLN5 lysosomal BMP synthase; plus strand). Cytogenetic location: 13q22.3.
Variant type: single nucleotide variant.
Coding change: c.18C>T on transcript NM_006493.4 (MANE Select); coding-DNA position 18, C replaced by T.
Protein change: p.Asp6=; no amino-acid change (aspartic acid 6 retained).
Molecular consequence: synonymous variant.
Genome position (GRCh38, 1-based): chr13:76,992,116, C>T. VCF-style: chr13-76992116-C-T. GRCh37 (hg19) VCF-style: chr13-77566251-C-T.
Other names: c.18C>T, p.Asp6= (NM_001366624.2).
Identifiers: ClinVar variation 1668691 (VCV001668691.23), dbSNP rs1289582170, ClinGen allele CA484334687.
Genomic context (GRCh38, chr13:76,992,116, plus strand): 5'-GTCGCAGGCCTCGAGAGGCTCCGGAAGTACTGGGTGCAGCCTGATGGCGCAGGAGGTAGA[C>T]ACGGCACAGGGCGCCGAGATGCGGCGGGGCGCGGGCGCGGCTCGGGGACGCGCTTCCTGG-3'
Protein context (NP_006484.2, residues 1-16): MAQEV[Asp6=]TAQGAEMRRG